The following is an entry in ClinVar:

ClinVar aggregate classification (germline): Uncertain significance. Review status: criteria provided, multiple submitters, no conflicts (2 of 4 stars). 3 submissions from 3 submitters: Uncertain significance (3). Last evaluated 2023-10-05.

Conditions:
Fanconi anemia (FA). Also called: Fanconi's anemia. Identifiers: Orphanet 84, MedGen C0015625, MeSH D005199, MONDO:0019391.

Allele frequency attached by ClinVar (database versions not stated): gnomAD exomes below 0.00001; ExAC 0.00001.
gnomAD v4.1: 3 of 1,612,734 alleles (0.00019%); highest among the groups gnomAD compares: Non-Finnish European, 0.00025%; no homozygotes.

Submissions (3):

Labcorp Genetics (formerly Invitae), Labcorp
Classification: Uncertain significance for Fanconi anemia. Last evaluated: 2023-10-05. Review status: criteria provided, single submitter. Criteria: Invitae Variant Classification Sherloc (09022015). Collection method: clinical testing. Allele origin: germline.
Comment: This sequence change replaces glycine, which is neutral and non-polar, with serine, which is neutral and polar, at codon 535 of the FANCM protein (p.Gly535Ser). This variant is present in population databases (rs757592514, gnomAD 0.0009%). This variant has not been reported in the literature in individuals affected with FANCM-related conditions. ClinVar contains an entry for this variant (Variation ID: 1054239). An algorithm developed to predict the effect of missense changes on protein structure and function (PolyPhen-2) suggests that this variant is likely to be disruptive. In summary, the available evidence is currently insufficient to determine the role of this variant in disease. Therefore, it has been classified as a Variant of Uncertain Significance.

Quest Diagnostics Nichols Institute San Juan Capistrano
Classification: Uncertain significance. Last evaluated: 2021-06-29. Review status: criteria provided, single submitter. Criteria: Quest Diagnostics criteria. Collection method: clinical testing. Allele origin: unknown.

GeneDx
Classification: Uncertain significance. Last evaluated: 2020-02-03. Review status: criteria provided, single submitter. Criteria: GeneDx Variant Classification Process June 2021. Collection method: clinical testing. Allele origin: germline. Affected: yes.
Comment: Not observed in large population cohorts (Lek 2016); In silico analysis supports that this missense variant has a deleterious effect on protein structure/function; Observed in an unaffected individual in a case-control study (Dicks 2017); This variant is associated with the following publications: (PMID: 28881617, 29727682)

NM_020937.4(FANCM):c.1603G>A (p.Gly535Ser)

Gene: FANCM (FA complementation group M; plus strand). Cytogenetic location: 14q21.2.
Variant type: single nucleotide variant.
Coding change: c.1603G>A on transcript NM_020937.4 (MANE Select); coding-DNA position 1603, G replaced by A.
Protein change: p.Gly535Ser; replaces glycine 535 with serine.
Molecular consequence: missense variant.
Genome position (GRCh38, 1-based): chr14:45,164,380, G>A. VCF-style: chr14-45164380-G-A. GRCh37 (hg19) VCF-style: chr14-45633583-G-A.
Other names: c.1525G>A, p.Gly509Ser (NM_001308133.2); c.1603G>A, p.Gly535Ser (NM_001308134.2); short protein forms G509S, G535S.
Identifiers: ClinVar variation 1054239 (VCV001054239.11), dbSNP rs757592514, ClinGen allele CA7169113.